The following is an entry in ClinVar:

NM_000504.4(F10):c.30C>T (p.Leu10=)

Gene: F10 (coagulation factor X; plus strand). Cytogenetic location: 13q34.
Variant type: single nucleotide variant.
Coding change: c.30C>T on transcript NM_000504.4 (MANE Select); coding-DNA position 30, C replaced by T.
Protein change: p.Leu10=; no amino-acid change (leucine 10 retained).
Molecular consequence: synonymous variant.
Genome position (GRCh38, 1-based): chr13:113,122,885, C>T. VCF-style: chr13-113122885-C-T. GRCh37 (hg19) VCF-style: chr13-113777199-C-T.
Other names: c.30C>T, p.Leu10= (NM_001312674.2, NM_001312675.2).
Identifiers: ClinVar variation 2643981 (VCV002643981.24), dbSNP rs2503071907, ClinGen allele CA485023402.

ClinVar aggregate classification (germline): Likely benign (1 of 4 stars; one submission).

Submission:

CeGaT Center for Human Genetics Tuebingen
Classification: Likely benign. Last evaluated: 2022-03-01. Review status: criteria provided, single submitter. Criteria: CeGaT Center For Human Genetics Tuebingen Variant Classification Criteria Version 2. Collection method: clinical testing. Allele origin: germline. Affected: yes. Observed: 1 variant allele.
Comment: F10: BP4, BP7